The following is an entry in ClinVar:

NM_000264.5(PTCH1):c.2456T>C (p.Leu819Pro)

Genes: PTCH1 (patched 1; minus strand), LOC100507346 (uncharacterized LOC100507346; plus strand). Cytogenetic location: 9q22.32.
Variant type: single nucleotide variant.
Coding change: c.2456T>C on transcript NM_000264.5 (MANE Select); coding-DNA position 2456, T replaced by C.
Protein change: p.Leu819Pro; replaces leucine 819 with proline.
Molecular consequence: missense variant. On other transcripts: non-coding transcript variant (2).
Genome position (GRCh38, 1-based): chr9:95,467,220, A>G on the plus strand (T>C on the coding strand, the complement: PTCH1 is on the minus strand). VCF-style: chr9-95467220-A-G. GRCh37 (hg19) VCF-style: chr9-98229502-A-G.
Other names: c.2258T>C, p.Leu753Pro (NM_001083602.3); c.2453T>C, p.Leu818Pro (NM_001083603.3); c.2003T>C, p.Leu668Pro (NM_001083604.3, NM_001083605.3, NM_001083606.3 and 1 more transcripts); c.2300T>C, p.Leu767Pro (NM_001354918.2); short protein forms L668P, L753P, L767P, L818P, L819P.
Identifiers: ClinVar variation 1721210 (VCV001721210.6), dbSNP rs2117956461, ClinGen allele CA374114101.

ClinVar aggregate classification (germline): Uncertain significance (1 of 4 stars; one submission).

Conditions:
Gorlin syndrome. Also called: Basal cell nevus syndrome; Nevoid Basal Cell Carcinoma Syndrome. Identifiers: Orphanet 377, MedGen C0004779, MONDO:0007187.

Submission:

Labcorp Genetics (formerly Invitae), Labcorp
Classification: Uncertain significance for Gorlin syndrome. Last evaluated: 2022-10-07. Review status: criteria provided, single submitter. Criteria: Invitae Variant Classification Sherloc (09022015). Collection method: clinical testing. Allele origin: germline.
Comment: This variant has not been reported in the literature in individuals affected with PTCH1-related conditions. Advanced modeling of protein sequence and biophysical properties (such as structural, functional, and spatial information, amino acid conservation, physicochemical variation, residue mobility, and thermodynamic stability) has been performed at Invitae for this missense variant, however the output from this modeling did not meet the statistical confidence thresholds required to predict the impact of this variant on PTCH1 protein function. In summary, the available evidence is currently insufficient to determine the role of this variant in disease. Therefore, it has been classified as a Variant of Uncertain Significance. This variant is not present in population databases (gnomAD no frequency). This sequence change replaces leucine, which is neutral and non-polar, with proline, which is neutral and non-polar, at codon 819 of the PTCH1 protein (p.Leu819Pro).